The following is an entry in ClinVar:

ClinVar aggregate classification (germline): Uncertain significance (1 of 4 stars; one submission).

Conditions:
Primary ciliary dyskinesia. Also called: Ciliary dyskinesia. Identifiers: Orphanet 244, MedGen C0008780, MONDO:0016575, HP:0012265.

Allele frequency attached by ClinVar (database versions not stated): gnomAD exomes 0.00001 and 0.00002; ExAC 0.00004; gnomAD 0.00004; TOPMed 0.00005; ESP Exome Variant Server 0.00008.
gnomAD v4.1: 30 of 1,612,098 alleles (0.0019%); highest among the groups gnomAD compares: African/African-American, 0.008%; no homozygotes.

Submission:

Labcorp Genetics (formerly Invitae), Labcorp
Classification: Uncertain significance for Primary ciliary dyskinesia. Last evaluated: 2024-08-29. Review status: criteria provided, single submitter. Criteria: Invitae Variant Classification Sherloc (09022015). Collection method: clinical testing. Allele origin: germline.
Comment: This sequence change affects codon 533 of the DRC1 mRNA. It is a 'silent' change, meaning that it does not change the encoded amino acid sequence of the DRC1 protein. It affects a nucleotide within the consensus splice site. This variant is present in population databases (rs377416255, gnomAD 0.02%). This variant has not been reported in the literature in individuals affected with DRC1-related conditions. ClinVar contains an entry for this variant (Variation ID: 1419484). Algorithms developed to predict the effect of sequence changes on RNA splicing suggest that this variant is not likely to affect RNA splicing. In summary, the available evidence is currently insufficient to determine the role of this variant in disease. Therefore, it has been classified as a Variant of Uncertain Significance.

NM_145038.5(DRC1):c.1599C>T (p.Ser533=)

Gene: DRC1 (dynein regulatory complex subunit 1; plus strand). Cytogenetic location: 2p23.3.
Variant type: single nucleotide variant.
Coding change: c.1599C>T on transcript NM_145038.5 (MANE Select); coding-DNA position 1599, C replaced by T.
Protein change: p.Ser533=; no amino-acid change (serine 533 retained).
Molecular consequence: synonymous variant.
Genome position (GRCh38, 1-based): chr2:26,450,085, C>T. VCF-style: chr2-26450085-C-T. GRCh37 (hg19) VCF-style: chr2-26672953-C-T.
Identifiers: ClinVar variation 1419484 (VCV001419484.7), dbSNP rs377416255, ClinGen allele CA1562314.